The following is an entry in ClinVar:

ClinVar aggregate classification (germline): Conflicting classifications of pathogenicity. Review status: criteria provided, conflicting classifications (1 of 4 stars). 5 submissions from 1 submitter: Uncertain significance (3); Benign (2). Last evaluated 2018-01-13.

Conditions:
Dilated cardiomyopathy 1G (CMD1G). Identifiers: Orphanet 154, MedGen C1858763, MONDO:0011400, OMIM 604145.
Early-onset myopathy with fatal cardiomyopathy (CMYO5). Also called: CONGENITAL MYOPATHY 5 WITH CARDIOMYOPATHY; Salih Myopathy. Identifiers: Orphanet 289377, MedGen C2673677, MONDO:0012714, OMIM 611705. Disease mechanism: loss of function.
Myopathy, myofibrillar, 9, with early respiratory failure (MFM9). Also called: Myopathy, distal, with early respiratory failure, autosomal dominant; Hereditary myopathy with early respiratory failure; EDSTROM MYOPATHY; MYOPATHY, PROXIMAL, WITH EARLY RESPIRATORY MUSCLE INVOLVEMENT. Identifiers: Orphanet 178464, Orphanet 34521, MedGen C1863599, MONDO:0011362, OMIM 603689.
Autosomal recessive limb-girdle muscular dystrophy type 2J (LGMDR10). Also called: MUSCULAR DYSTROPHY, LIMB-GIRDLE, AUTOSOMAL RECESSIVE 10; Limb-girdle muscular dystrophy, type 2J. Identifiers: Orphanet 140922, MedGen C1837342, MONDO:0012127, OMIM 608807.
Tibial muscular dystrophy (TMD). Also called: Udd Distal Myopathy – Tibial Muscular Dystrophy; UDD MYOPATHY; Tibial muscular dystrophy, tardive. Identifiers: Orphanet 609, MedGen C1838244, MONDO:0010870, OMIM 600334.

Allele frequency attached by ClinVar (database versions not stated): gnomAD exomes 0.00008; ExAC 0.00011.
gnomAD v4.1: 69 of 1,613,320 alleles (0.0043%); highest among the groups gnomAD compares: South Asian, 0.074%; no homozygotes.

Submissions (5):

Illumina Laboratory Services, Illumina
Classification: Benign for Myopathy, myofibrillar, 9, with early respiratory failure. Last evaluated: 2018-01-13. Review status: criteria provided, single submitter. Criteria: ICSL Variant Classification Criteria 13 December 2019. Collection method: clinical testing. Allele origin: germline.
Comment: This variant was observed in the ICSL laboratory as part of a predisposition screen in an ostensibly healthy population. It had not been previously curated by ICSL or reported in the Human Gene Mutation Database (HGMD: prior to June 1st, 2018), and was therefore a candidate for classification through an automated scoring system. Utilizing variant allele frequency, disease prevalence and penetrance estimates, and inheritance mode, an automated score was calculated to assess if this variant is too frequent to cause the disease. Based on the score and internal cut-off values, a variant classified as benign is not then subjected to further curation. The score for this variant resulted in a classification of benign for this disease.

Illumina Laboratory Services, Illumina
Classification: Uncertain significance for Dilated cardiomyopathy 1G. Last evaluated: 2018-01-13. Review status: criteria provided, single submitter. Criteria: ICSL Variant Classification Criteria 13 December 2019. Collection method: clinical testing. Allele origin: germline.

Illumina Laboratory Services, Illumina
Classification: Uncertain significance for Early-onset myopathy with fatal cardiomyopathy. Last evaluated: 2018-01-13. Review status: criteria provided, single submitter. Criteria: ICSL Variant Classification Criteria 13 December 2019. Collection method: clinical testing. Allele origin: germline.

Illumina Laboratory Services, Illumina
Classification: Uncertain significance for Autosomal recessive limb-girdle muscular dystrophy type 2J. Last evaluated: 2018-01-13. Review status: criteria provided, single submitter. Criteria: ICSL Variant Classification Criteria 13 December 2019. Collection method: clinical testing. Allele origin: germline.

Illumina Laboratory Services, Illumina
Classification: Benign for Tibial muscular dystrophy. Last evaluated: 2018-01-13. Review status: criteria provided, single submitter. Criteria: ICSL Variant Classification Criteria 13 December 2019. Collection method: clinical testing. Allele origin: germline.
Comment: the same text as in the submission from Illumina Laboratory Services, Illumina above.

NM_001267550.2(TTN):c.59573C>T (p.Thr19858Ile)

Genes: TTN (titin; minus strand), TTN-AS1 (TTN antisense RNA 1; plus strand), LOC126806424 (CDK7 strongly-dependent group 2 enhancer GRCh37_chr2:179456337-179457536; plus strand). Cytogenetic location: 2q31.2.
Variant type: single nucleotide variant.
Coding change: c.59573C>T on transcript NM_001267550.2 (MANE Select); coding-DNA position 59573, C replaced by T.
Protein change: p.Thr19858Ile; replaces threonine 19858 with isoleucine.
Molecular consequence: missense variant.
Genome position (GRCh38, 1-based): chr2:178,592,432, G>A on the plus strand (C>T on the coding strand, the complement: TTN is on the minus strand). VCF-style: chr2-178592432-G-A. GRCh37 (hg19) VCF-style: chr2-179457159-G-A.
Other names: c.54650C>T, p.Thr18217Ile (NM_001256850.1); c.32378C>T, p.Thr10793Ile (NM_003319.4); c.51869C>T, p.Thr17290Ile (NM_133378.4); c.32753C>T, p.Thr10918Ile (NM_133432.3); c.32954C>T, p.Thr10985Ile (NM_133437.4); short protein forms T17290I, T19858I, T18217I, T10793I, T10985I, T10918I.
Identifiers: ClinVar variation 332823 (VCV000332823.5), dbSNP rs757911359, ClinGen allele CA1992645.
Genomic context (GRCh38, chr2:178,592,432, plus strand): 5'-TTCTTACCTAATACAAGTACTTTTACTGAGACAGTTTTTGAACCAGCTGGATTCTCCACT[G>A]TTAAAGAATAAATTCCACCATCTTCATGGGCAGCATTACGAATTTCAAGCTTGCTACCAA-3'
Protein context (NP_001254479.2, residues 19848-19868): AHEDGGIYSL[Thr19858Ile]VENPAGSKTV